The following is an entry in ClinVar:

NM_000152.5(GAA):c.1754+22A>C

Gene: GAA (alpha glucosidase; plus strand). Cytogenetic location: 17q25.3.
Variant type: single nucleotide variant.
Coding change: c.1754+22A>C on transcript NM_000152.5 (MANE Select); 22 bases into the intron after coding-DNA position 1754, A replaced by C.
Molecular consequence: intron variant.
Genome position (GRCh38, 1-based): chr17:80,112,122, A>C. VCF-style: chr17-80112122-A-C. GRCh37 (hg19) VCF-style: chr17-78085921-A-C.
Other names: p.?; c.1754+22A>C (NM_001406741.1, NM_001406742.1, NM_001079803.3 and 1 more transcripts).
Identifiers: ClinVar variation 4684257 (VCV004684257.1).

ClinVar aggregate classification (germline): Likely benign (1 of 4 stars; one submission).

gnomAD v4.1: 1 of 1,598,726 alleles (0.000063%); no homozygotes.

Submission:

Mayo Clinic Laboratories, Mayo Clinic
Classification: Likely benign. Last evaluated: 2025-02-10. Review status: criteria provided, single submitter. Criteria: ACMG Guidelines, 2015. Collection method: clinical testing. Allele origin: germline. Observed: 2 variant alleles.
Comment: BP4, BP7